The following is an entry in ClinVar:

ClinVar aggregate classification (germline): Uncertain significance (1 of 4 stars; one submission).

Conditions:
Hereditary cancer-predisposing syndrome. Also called: Hereditary Cancer Syndrome; Neoplastic Syndromes, Hereditary; Tumor predisposition; Hereditary neoplastic syndrome. Identifiers: Orphanet 140162, MedGen C0027672, MeSH D009386, MONDO:0015356.

Submission:

Ambry Genetics
Classification: Uncertain significance for Hereditary cancer-predisposing syndrome. Last evaluated: 2026-08-10. Review status: criteria provided, single submitter. Criteria: Ambry Variant Classification Scheme 2023. Collection method: clinical testing. Allele origin: germline.
Comment: The p.G181A variant (also known as c.542G>C), located in coding exon 1 of the ALK gene, results from a G to C substitution at nucleotide position 542. The glycine at codon 181 is replaced by alanine, an amino acid with similar properties. This amino acid position is conserved. In addition, the in silico prediction for this alteration is inconclusive. Based on the available evidence, the clinical significance of this variant remains unclear.

NM_004304.5(ALK):c.542G>C (p.Gly181Ala)

Gene: ALK (ALK receptor tyrosine kinase; minus strand). Cytogenetic location: 2p23.1.
Variant type: single nucleotide variant.
Coding change: c.542G>C on transcript NM_004304.5 (MANE Select); coding-DNA position 542, G replaced by C.
Protein change: p.Gly181Ala; replaces glycine 181 with alanine.
Molecular consequence: missense variant.
Genome position (GRCh38, 1-based): chr2:29,920,118, C>G on the plus strand (G>C on the coding strand, the complement: ALK is on the minus strand). VCF-style: chr2-29920118-C-G. GRCh37 (hg19) VCF-style: chr2-30142984-C-G.
Other names: short protein forms G181A.
Identifiers: ClinVar variation 5035473 (VCV005035473.1).